The following is an entry in ClinVar:

NM_007294.4(BRCA1):c.2612dup (p.Phe872fs)

Gene: BRCA1 (BRCA1 DNA repair associated; minus strand). Cytogenetic location: 17q21.31.
Variant type: Duplication.
Coding change: c.2612dup on transcript NM_007294.4 (MANE Select); coding-DNA position 2612, one base duplicated (C; older notation c.2612dupC).
Protein change: p.Phe872fs; shifts the reading frame from phenylalanine 872.
Molecular consequence: frameshift variant. On other transcripts: intron variant (137).
Genome position (GRCh38, 1-based): chr17:43,092,919, G duplicated on the plus strand (C on the coding strand, the reverse complement: BRCA1 is on the minus strand); the first of 2 consecutive G bases (chr17:43,092,919-43,092,920); duplicating either gives the same sequence. VCF-style (leftmost placement, unchanged base first): chr17-43092918-C-CG. GRCh37 (hg19) VCF-style: chr17-41244935-C-CG.
Other names: 2730insC; c.2612dupC (NM_007294.3); c.2399dup, p.Phe801fs (NM_001407571.1, NM_001407853.1, NM_001407894.1 and 9 more transcripts); c.2612dup, p.Phe872fs (NM_001407581.1, NM_001407582.1, NM_001407583.1 and 30 more transcripts); c.2609dup, p.Phe871fs (NM_001407587.1, NM_001407590.1, NM_001407591.1 and 22 more transcripts); c.2603dup, p.Phe869fs (NM_001407646.1, NM_001407647.1); c.2489dup, p.Phe831fs (NM_001407648.1, NM_001407664.1, NM_001407665.1 and 19 more transcripts); c.2486dup, p.Phe830fs (NM_001407649.1, NM_001407670.1, NM_001407671.1 and 11 more transcripts); and 43 more; short protein forms F825fs, F872fs, F784fs, F804fs, F831fs, F576fs, F704fs, F760fs.
Identifiers: ClinVar variation 54621 (VCV000054621.5), dbSNP rs1555589289, ClinGen allele CA327825.

ClinVar aggregate classification (germline): Pathogenic (3 of 4 stars; one submission).

Conditions:
Breast-ovarian cancer, familial, susceptibility to, 1 (BROVCA1). Also called: OVARIAN CANCER, SUSCEPTIBILITY TO; BRCA1 Hereditary Breast and Ovarian Cancer. Identifiers: Orphanet 145, MedGen C2676676, MONDO:0011450, OMIM 604370. Disease mechanism: loss of function.

Submission:

Evidence-based Network for the Interpretation of Germline Mutant Alleles (ENIGMA)
Classification: Pathogenic for Breast-ovarian cancer, familial, susceptibility to, 1. Last evaluated: 2016-10-18. Review status: reviewed by expert panel. Criteria: ENIGMA BRCA1/2 Classification Criteria (2015). Collection method: curation. Allele origin: germline.
Comment: Variant allele predicted to encode a truncated non-functional protein.